The following is an entry in ClinVar:

NM_000390.4(CHM):c.1648_1660del (p.Ala549_Leu550insTer)

Gene: CHM (CHM Rab escort protein; minus strand). Cytogenetic location: Xq21.2.
Variant type: Deletion.
Coding change: c.1648_1660del on transcript NM_000390.4 (MANE Select); coding-DNA positions 1648 to 1660, 13 bases deleted (CTTTACTTCAATA).
Protein change: p.Ala549_Leu550insTer.
Molecular consequence: nonsense.
Genome position (GRCh38, 1-based): chrX:85,873,162-85,873,174, TATTGAAGTAAAG deleted on the plus strand (CTTTACTTCAATA on the coding strand, the reverse complement: CHM is on the minus strand). VCF-style (leftmost placement, unchanged base first): chrX-85873161-ATATTGAAGTAAAG-A. GRCh37 (hg19) VCF-style: chrX-85128166-ATATTGAAGTAAAG-A.
Other names: c.1204_1216del, p.Ala401_Leu402insTer (NM_001320959.1, NM_001362517.1, NM_001362518.2 and 1 more transcripts).
Identifiers: ClinVar variation 2126775 (VCV002126775.4), dbSNP rs2520014610, ClinGen allele CA2580102016.
Genomic context (GRCh38, chrX:85,873,161, plus strand): 5'-ACATAAACGTTGGATGGTAAATCATTATAACAGCTCCTGCTGATGTCTGACGAATCTCTC[ATATTGAAGTAAAG>A]AGCCCACAGAATTCTTGGCTTTTCTACTTGTTCATTTTCTAAATATAGAAATAAATTTTA-3'

ClinVar aggregate classification (germline): Pathogenic (1 of 4 stars; one submission).

Submission:

Labcorp Genetics (formerly Invitae), Labcorp
Classification: Pathogenic. Last evaluated: 2022-04-16. Review status: criteria provided, single submitter. Criteria: Invitae Variant Classification Sherloc (09022015). Collection method: clinical testing. Allele origin: germline.
Comment: This variant has not been reported in the literature in individuals affected with CHM-related conditions. This sequence change creates a premature translational stop signal (p.Leu550*) in the CHM gene. It is expected to result in an absent or disrupted protein product. Loss-of-function variants in CHM are known to be pathogenic (PMID: 9067750, 23811034). This variant is not present in population databases (gnomAD no frequency). For these reasons, this variant has been classified as Pathogenic.

Literature cited by the submitters: PubMed 9067750; PubMed 23811034.